The following is an entry in ClinVar:

ClinVar aggregate classification (germline): Uncertain significance (1 of 4 stars; one submission).

Conditions:
PDE1C-related disorder. Also called: PDE1C-related condition.

gnomAD v4.1: 4 of 1,614,008 alleles (0.00025%); highest among the groups gnomAD compares: Admixed American, 0.0017%; no homozygotes.

Submission:

PreventionGenetics, part of Exact Sciences
Classification: Uncertain significance for PDE1C-related condition. Last evaluated: 2025-03-15. Review status: criteria provided, single submitter. Criteria: ACMG Guidelines, 2015. Collection method: clinical testing. Allele origin: germline.
Comment: The PDE1C c.871A>T variant is predicted to result in the amino acid substitution p.Met291Leu. To our knowledge, this variant has not been reported in the literature. This variant is reported in 0.0029% of alleles in individuals of Latino descent in gnomAD. At this time, the clinical significance of this variant is uncertain due to the absence of conclusive functional and genetic evidence.

NM_001191057.4(PDE1C):c.691A>T (p.Met231Leu)

Gene: PDE1C (phosphodiesterase 1C; minus strand). Cytogenetic location: 7p14.3.
Variant type: single nucleotide variant.
Coding change: c.691A>T on transcript NM_001191057.4 (MANE Select); coding-DNA position 691, A replaced by T.
Protein change: p.Met231Leu; replaces methionine 231 with leucine.
Molecular consequence: missense variant.
Genome position (GRCh38, 1-based): chr7:31,865,001, T>A on the plus strand (A>T on the coding strand, the complement: PDE1C is on the minus strand). VCF-style: chr7-31865001-T-A. GRCh37 (hg19) VCF-style: chr7-31904615-T-A.
Other names: c.691A>T, p.Met231Leu (NM_001191056.3, NM_001191059.4, NM_001322055.2 and 3 more transcripts); c.871A>T, p.Met291Leu (NM_001191058.4, NM_001322058.2); c.1096A>T, p.Met366Leu (NM_001322059.2); short protein forms M231L, M291L, M366L.
Identifiers: ClinVar variation 4983277 (VCV004983277.1).
Genomic context (GRCh38, chr7:31,865,001, plus strand): 5'-CCGCCACTCCTGTCTTATAGAGGAGGTAATGCACTGTCTGTGTAACATCGGCAGCGTGCA[T>A]TAAGTTATGGTAAGGATTTTTGTGCTTGCTGTATCCCACTTCCAGGGCCTCCACAAATGA-3'
Protein context (NP_001177986.1, residues 221-241): SKHKNPYHNL[Met231Leu]HAADVTQTVH